The following is an entry in ClinVar:

NM_207361.6(FREM2):c.5477T>C (p.Val1826Ala)

Gene: FREM2 (FRAS1 related extracellular matrix 2; plus strand). Cytogenetic location: 13q13.3.
Variant type: single nucleotide variant.
Coding change: c.5477T>C on transcript NM_207361.6 (MANE Select); coding-DNA position 5477, T replaced by C.
Protein change: p.Val1826Ala; replaces valine 1826 with alanine.
Molecular consequence: missense variant.
Genome position (GRCh38, 1-based): chr13:38,769,644, T>C. VCF-style: chr13-38769644-T-C. GRCh37 (hg19) VCF-style: chr13-39343781-T-C.
Other names: short protein forms V1826A.
Identifiers: ClinVar variation 2627970 (VCV002627970.1), dbSNP rs774673796, ClinGen allele CA387886905.
Genomic context (GRCh38, chr13:38,769,644, plus strand): 5'-GCACAAGAGACAGAACTGCAGAAAAAGACAAAGACTTCAAGGGCAAAGCACAGAAACAAG[T>C]GCAGTTCAACCCAGGCCAGACCAGGGCCACATGGCGAGTGCGGATCCTGAGTGATGGGGA-3'
Protein context (NP_997244.4, residues 1816-1836): KDFKGKAQKQ[Val1826Ala]QFNPGQTRAT

ClinVar aggregate classification (germline): Uncertain significance (1 of 4 stars; one submission).

Conditions:
Fraser syndrome 2 (FRASRS2). Identifiers: MedGen C4540036, MONDO:0054738, OMIM 617666.

Submission:

Neuberg Centre For Genomic Medicine, NCGM
Classification: Uncertain significance for Fraser syndrome 2. Review status: criteria provided, single submitter. Criteria: ACMG Guidelines, 2015. Collection method: clinical testing. Allele origin: germline. Inheritance: Autosomal recessive inheritance. Affected: yes.
Comment: The missense variant in c.5477T>C (p.Val1826Ala) in FREM2 gene has not been reported previously as a pathogenic variant nor as a benign variant, to our knowledge. The p.Val1826Ala variant is novel (not in any individuals) in gnomAD Exomes and 1000 Genomes. This variant has not been reported to the ClinVar database.The amino acid Val at position 1826 is changed to a Ala changing protein sequence and it might alter its composition and physico-chemical properties. The variant is predicted to be damaging by both SIFT and PolyPhen2. The residue is conserved across species. The amino acid change p.Val1826Ala in FREM2 is predicted as conserved by GERP++ and PhyloP across 100 vertebrates. For these reasons, this variant has been classified as Uncertain Significance.